The following is an entry in ClinVar:

ClinVar aggregate classification (germline): Uncertain significance (1 of 4 stars; one submission).

Submission:

GeneDx
Classification: Uncertain significance. Last evaluated: 2025-07-15. Review status: criteria provided, single submitter. Criteria: GeneDx Variant Classification Process June 2021. Collection method: clinical testing. Allele origin: germline. Affected: yes.
Comment: Not observed at significant frequency in large population cohorts (gnomAD); In silico analysis suggests that this missense variant does not alter protein structure/function; Has not been previously published as pathogenic or benign to our knowledge

NM_001368397.1(FRMPD4):c.773C>G (p.Thr258Arg)

Gene: FRMPD4 (FERM and PDZ domain containing 4; plus strand). Cytogenetic location: Xp22.2.
Variant type: single nucleotide variant.
Coding change: c.773C>G on transcript NM_001368397.1 (MANE Select); coding-DNA position 773, C replaced by G.
Protein change: p.Thr258Arg; replaces threonine 258 with arginine.
Molecular consequence: missense variant.
Genome position (GRCh38, 1-based): chrX:12,690,286, C>G. VCF-style: chrX-12690286-C-G. GRCh37 (hg19) VCF-style: chrX-12708405-C-G.
Other names: c.884C>G, p.Thr295Arg (NM_001368395.3, NM_001368398.3); c.779C>G, p.Thr260Arg (NM_001368396.3); c.764C>G, p.Thr255Arg (NM_001368399.3); c.653C>G, p.Thr218Arg (NM_001368400.3); c.749C>G, p.Thr250Arg (NM_001368401.1, NM_001368402.3); c.773C>G, p.Thr258Arg (NM_014728.3); short protein forms T218R, T250R, T255R, T258R, T260R, T295R.
Identifiers: ClinVar variation 4686379 (VCV004686379.1).
Genomic context (GRCh38, chrX:12,690,286, plus strand): 5'-CCATCAAAGGCATTGAACACTTCTCTCTCATGCTGGAGCAGAGGACAGAAGGGGCTGGAA[C>G]GAAGCTGCTCTTGCTTCATGAACAGGAGACTCTAACTCAGGTCTGTGAAATCTCACCCTC-3'
Protein context (NP_001355326.1, residues 248-268): MLEQRTEGAG[Thr258Arg]KLLLLHEQET